The following is an entry in ClinVar:

ClinVar aggregate classification (germline): Uncertain significance. Review status: criteria provided, single submitter (1 of 4 stars). 2 submissions from 2 submitters: Uncertain significance (1). 1 of the submissions does not count toward it. Last evaluated 2025-08-24.

Conditions:
Inborn genetic diseases. Identifiers: MedGen C0950123, MeSH D030342.

Allele frequency attached by ClinVar (database versions not stated): gnomAD 0.00001; gnomAD exomes 0.00001 and 0.00002; TOPMed 0.00002.
gnomAD v4.1: 21 of 1,564,186 alleles (0.0013%); highest among the groups gnomAD compares: East Asian, 0.033%; no homozygotes.

Submissions (2):

Ambry Genetics
Classification: Uncertain significance for Inborn genetic diseases. Last evaluated: 2025-08-24. Review status: criteria provided, single submitter. Criteria: Ambry Variant Classification Scheme 2023. Collection method: clinical testing. Allele origin: germline.

Department of Pathology and Laboratory Medicine, Sinai Health System
Classification: Uncertain significance. Review status: no assertion criteria provided. Collection method: clinical testing. Allele origin: unknown. Affected: yes. Study: The Canadian Open Genetics Repository (COGR). Not counted in ClinVar's aggregate classification.
Comment: The DOK7 p.Glu228Val variant was not identified in the literature nor was it identified in ClinVar, Cosmic or LOVD 3.0. The variant was identified in dbSNP (ID: rs554429759) and in control databases in 5 of 203600 chromosomes at a frequency of 0.000025 (Genome Aggregation Database Feb 27, 2017). The variant was observed in the East Asian population in 5 of 14394 chromosomes (freq: 0.000347), but was not observed in the African, Latino, Ashkenazi Jewish, European (Finnish), European (non-Finnish), Other, and South Asian populations. Although the p.Glu228 residue is not conserved in mammals and other organisms, 4 of 5 computational analyses (PolyPhen-2, SIFT, AlignGVGD, BLOSUM, MutationTaster) suggest that the variant may impact the protein. The variant occurs outside of the splicing consensus sequence and 3 of 4 in silico or computational prediction software programs (SpliceSiteFinder, MaxEntScan, NNSPLICE, GeneSplicer) do not predict a difference in splicing. In summary, based on the above information the clinical significance of this variant cannot be determined with certainty at this time. This variant is classified as a variant of uncertain significance.

NM_173660.5(DOK7):c.683A>T (p.Glu228Val)

Gene: DOK7 (docking protein 7; plus strand). Cytogenetic location: 4p16.3.
Variant type: single nucleotide variant.
Coding change: c.683A>T on transcript NM_173660.5 (MANE Select); coding-DNA position 683, A replaced by T.
Protein change: p.Glu228Val; replaces glutamic acid 228 with valine.
Molecular consequence: missense variant. On other transcripts: synonymous variant (1), 5 prime UTR variant (1).
Genome position (GRCh38, 1-based): chr4:3,489,707, A>T. VCF-style: chr4-3489707-A-T. GRCh37 (hg19) VCF-style: chr4-3491434-A-T.
Other names: c.672A>T, p.Gly224= (NM_001164673.2); c.-248A>T (NM_001256896.2); c.683A>T, p.Glu228Val (NM_001301071.2); c.251A>T, p.Glu84Val (NM_001363811.2); c.683A>T (NM_173660.4); short protein forms E228V, E84V.
Identifiers: ClinVar variation 1048919 (VCV001048919.2), dbSNP rs554429759, ClinGen allele CA2829148.